The following is an entry in ClinVar:

NM_025114.4(CEP290):c.4931T>A (p.Leu1644Gln)

Gene: CEP290 (centrosomal protein 290; minus strand). Cytogenetic location: 12q21.32.
Variant type: single nucleotide variant.
Coding change: c.4931T>A on transcript NM_025114.4 (MANE Select); coding-DNA position 4931, T replaced by A.
Protein change: p.Leu1644Gln; replaces leucine 1644 with glutamine.
Molecular consequence: missense variant.
Genome position (GRCh38, 1-based): chr12:88,083,112, A>T on the plus strand (T>A on the coding strand, the complement: CEP290 is on the minus strand). VCF-style: chr12-88083112-A-T. GRCh37 (hg19) VCF-style: chr12-88476889-A-T.
Other names: short protein forms L1644Q.
Identifiers: ClinVar variation 1511539 (VCV001511539.5), dbSNP rs763470977, ClinGen allele CA6711829.

ClinVar aggregate classification (germline): Uncertain significance (1 of 4 stars; one submission).

Conditions:
Nephronophthisis. Also called: Juvenile Nephronophthisis. Identifiers: Orphanet 655, MedGen C0687120, MONDO:0019005, HP:0000090.
Meckel-Gruber syndrome. Also called: DYSENCEPHALIA SPLANCHNOCYSTICA; GRUBER SYNDROME; Dysencephalia splachnocystica. Identifiers: Orphanet 564, MedGen C0265215, MONDO:0018921.
Joubert syndrome. Also called: CEREBELLOPARENCHYMAL DISORDER IV; JOUBERT-BOLTSHAUSER SYNDROME; Familial aplasia of the vermis. Identifiers: Orphanet 475, MedGen C5979921, MONDO:0018772.

Allele frequency attached by ClinVar (database versions not stated): gnomAD exomes below 0.00001.
gnomAD v4.1: 2 of 1,542,332 alleles (0.00013%); highest among the groups gnomAD compares: Non-Finnish European, 0.00017%; no homozygotes.

Submission:

Labcorp Genetics (formerly Invitae), Labcorp
Classification: Uncertain significance for Joubert syndrome; Meckel-Gruber syndrome; Nephronophthisis. Last evaluated: 2022-02-02. Review status: criteria provided, single submitter. Criteria: Invitae Variant Classification Sherloc (09022015). Collection method: clinical testing. Allele origin: germline.
Comment: This sequence change replaces leucine, which is neutral and non-polar, with glutamine, which is neutral and polar, at codon 1644 of the CEP290 protein (p.Leu1644Gln). This variant is not present in population databases (gnomAD no frequency). This variant has not been reported in the literature in individuals affected with CEP290-related conditions. Algorithms developed to predict the effect of missense changes on protein structure and function are either unavailable or do not agree on the potential impact of this missense change (SIFT: "Deleterious"; PolyPhen-2: "Probably Damaging"; Align-GVGD: "Class C0"). In summary, the available evidence is currently insufficient to determine the role of this variant in disease. Therefore, it has been classified as a Variant of Uncertain Significance.